The following is an entry in ClinVar:

ClinVar aggregate classification (germline): Pathogenic (1 of 4 stars; one submission).

Conditions:
Episodic ataxia type 2 (EA2). Also called: ATAXIA, EPISODIC, WITH NYSTAGMUS; ATAXIA, FAMILIAL PAROXYSMAL; ACETAZOLAMIDE-RESPONSIVE HEREDITARY PAROXYSMAL CEREBELLAR ATAXIA; CEREBELLAR ATAXIA, PAROXYSMAL, ACETAZOLAMIDE-RESPONSIVE; CEREBELLOPATHY, HEREDITARY PAROXYSMAL; EPISODIC ATAXIA, NYSTAGMUS-ASSOCIATED. Identifiers: Orphanet 97, MedGen C1720416, MONDO:0007163, OMIM 108500.
Developmental and epileptic encephalopathy, 42 (DEE42A). Also called: Epileptic encephalopathy, early infantile, 42; DEVELOPMENTAL AND EPILEPTIC ENCEPHALOPATHY 42A; EPILEPTIC ENCEPHALOPATHY, EARLY INFANTILE, 42A. Identifiers: MedGen C4310716, MONDO:0014917, OMIM 617106.

Submission:

Labcorp Genetics (formerly Invitae), Labcorp
Classification: Pathogenic for Developmental and epileptic encephalopathy, 42; Episodic ataxia type 2. Last evaluated: 2024-06-04. Review status: criteria provided, single submitter. Criteria: Invitae Variant Classification Sherloc (09022015). Collection method: clinical testing. Allele origin: germline.
Comment: This sequence change replaces valine, which is neutral and non-polar, with leucine, which is neutral and non-polar, at codon 1350 of the CACNA1A protein (p.Val1350Leu). This variant is not present in population databases (gnomAD no frequency). This missense change has been observed in individual(s) with clinical features of CACNA1A-related conditions (PMID: 25596066). In at least one individual the variant was observed to be de novo. Advanced modeling of protein sequence and biophysical properties (such as structural, functional, and spatial information, amino acid conservation, physicochemical variation, residue mobility, and thermodynamic stability) performed at Invitae indicates that this missense variant is expected to disrupt CACNA1A protein function with a positive predictive value of 95%. For these reasons, this variant has been classified as Pathogenic.

Literature cited by the submitters: PubMed 25596066.

NM_001127222.2(CACNA1A):c.4045G>T (p.Val1349Leu)

Gene: CACNA1A (calcium voltage-gated channel subunit alpha1 A; minus strand). Cytogenetic location: 19p13.13.
Variant type: single nucleotide variant.
Coding change: c.4045G>T on transcript NM_001127222.2 (MANE Select); coding-DNA position 4045, G replaced by T.
Protein change: p.Val1349Leu; replaces valine 1349 with leucine.
Molecular consequence: missense variant.
Genome position (GRCh38, 1-based): chr19:13,262,778, C>A on the plus strand (G>T on the coding strand, the complement: CACNA1A is on the minus strand). VCF-style: chr19-13262778-C-A. GRCh37 (hg19) VCF-style: chr19-13373592-C-A.
Other names: c.4057G>T, p.Val1353Leu (NM_000068.4, NM_023035.3); c.4048G>T, p.Val1350Leu (NM_001127221.2, NM_001174080.2); short protein forms V1349L, V1350L, V1353L.
Identifiers: ClinVar variation 3759547 (VCV003759547.2).